The following is an entry in ClinVar:

NM_000426.4(LAMA2):c.307A>G (p.Ile103Val)

Gene: LAMA2 (laminin subunit alpha 2; plus strand). Cytogenetic location: 6q22.33.
Variant type: single nucleotide variant.
Coding change: c.307A>G on transcript NM_000426.4 (MANE Select); coding-DNA position 307, A replaced by G.
Protein change: p.Ile103Val; replaces isoleucine 103 with valine.
Molecular consequence: missense variant.
Genome position (GRCh38, 1-based): chr6:129,059,807, A>G. VCF-style: chr6-129059807-A-G. GRCh37 (hg19) VCF-style: chr6-129380952-A-G.
Other names: c.307A>G, p.Ile103Val (NM_001079823.2); short protein forms I103V.
Identifiers: ClinVar variation 966128 (VCV000966128.5), dbSNP rs369978622, ClinGen allele CA3992289.

ClinVar aggregate classification (germline): Uncertain significance. Review status: criteria provided, multiple submitters, no conflicts (2 of 4 stars). 3 submissions from 3 submitters: Uncertain significance (3). Last evaluated 2022-07-12.

Conditions:
Merosin deficient congenital muscular dystrophy (MDC1A). Also called: Congenital merosin-deficient muscular dystrophy 1A; Congenital Muscular Dystrophy Type 1A (MDC1A). Identifiers: Orphanet 258, MedGen C1263858, MONDO:0011925, OMIM 607855.
Muscular dystrophy, limb-girdle, autosomal recessive 23. Identifiers: Orphanet 565837, MedGen C4748327, MONDO:0029136, OMIM 618138.
LAMA2-related muscular dystrophy (LAMA2-RD). Also called: Laminin alpha 2-related dystrophy. Identifiers: MedGen C5679788, MONDO:0100228.

Allele frequency attached by ClinVar (database versions not stated): gnomAD 0.00001; TOPMed 0.00001; ESP Exome Variant Server 0.00008.
gnomAD v4.1: 26 of 1,608,012 alleles (0.0016%); highest among the groups gnomAD compares: Middle Eastern, 0.033%; no homozygotes.

Submissions (3):

Labcorp Genetics (formerly Invitae), Labcorp
Classification: Uncertain significance for LAMA2-related muscular dystrophy. Last evaluated: 2022-07-12. Review status: criteria provided, single submitter. Criteria: Invitae Variant Classification Sherloc (09022015). Collection method: clinical testing. Allele origin: germline.
Comment: This sequence change replaces isoleucine, which is neutral and non-polar, with valine, which is neutral and non-polar, at codon 103 of the LAMA2 protein (p.Ile103Val). This variant is present in population databases (rs369978622, gnomAD 0.01%). This variant has not been reported in the literature in individuals affected with LAMA2-related conditions. ClinVar contains an entry for this variant (Variation ID: 966128). Advanced modeling of protein sequence and biophysical properties (such as structural, functional, and spatial information, amino acid conservation, physicochemical variation, residue mobility, and thermodynamic stability) performed at Invitae indicates that this missense variant is not expected to disrupt LAMA2 protein function. In summary, the available evidence is currently insufficient to determine the role of this variant in disease. Therefore, it has been classified as a Variant of Uncertain Significance.

Fulgent Genetics
Classification: Uncertain significance for Merosin deficient congenital muscular dystrophy; Muscular dystrophy, limb-girdle, autosomal recessive 23. Last evaluated: 2022-01-18. Review status: criteria provided, single submitter. Criteria: ACMG Guidelines, 2015. Collection method: clinical testing. Allele origin: unknown.

Blueprint Genetics
Classification: Uncertain significance. Last evaluated: 2021-12-21. Review status: criteria provided, single submitter. Criteria: ACMG Guidelines, 2015. Collection method: clinical testing. Allele origin: germline.